The following is an entry in ClinVar:

ClinVar aggregate classification (germline): Uncertain significance (1 of 4 stars; one submission).

Conditions:
Hereditary sensory neuropathy-deafness-dementia syndrome. Also called: Hereditary Sensory and Autonomic Neuropathy Type 1E (HSAN1E); HSN IE; NEUROPATHY, HEREDITARY SENSORY, WITH HEARING LOSS AND DEMENTIA; Hereditary sensory neuropathy type IE. Identifiers: Orphanet 456318, MedGen C3279885, MONDO:0013584, OMIM 614116.

Submission:

Labcorp Genetics (formerly Invitae), Labcorp
Classification: Uncertain significance for Hereditary sensory neuropathy-deafness-dementia syndrome. Last evaluated: 2023-04-14. Review status: criteria provided, single submitter. Criteria: Invitae Variant Classification Sherloc (09022015). Collection method: clinical testing. Allele origin: germline.
Comment: ClinVar contains an entry for this variant (Variation ID: 1901303). In summary, the available evidence is currently insufficient to determine the role of this variant in disease. Therefore, it has been classified as a Variant of Uncertain Significance. Experimental studies and prediction algorithms are not available or were not evaluated, and the effect of this variant on mRNA splicing is currently unknown. This variant has not been reported in the literature in individuals affected with DNMT1-related conditions. Information on the frequency of this variant in the gnomAD database is not available, as this variant may be reported differently in the database. This sequence change falls in intron 21 of the DNMT1 gene. It does not directly change the encoded amino acid sequence of the DNMT1 protein.

NM_001130823.3(DNMT1):c.1832+13_1832+14inv

Gene: DNMT1 (DNA methyltransferase 1; minus strand). Cytogenetic location: 19p13.2.
Variant type: Inversion.
Coding change: c.1832+13_1832+14inv on transcript NM_001130823.3 (MANE Select).
Molecular consequence: intron variant.
Genome position: GRCh38 VCF-style: chr19-10154572-TG-CA. GRCh37 (hg19) VCF-style: chr19-10265248-TG-CA.
Other names: c.1469+13_1469+14inv (NM_001318731.2); c.1784+13_1784+14inv (NM_001379.4, NM_001318730.2).
Identifiers: ClinVar variation 1901303 (VCV001901303.5), ClinGen allele CA2580096159.